The following is an entry in ClinVar:

ClinVar aggregate classification (germline): Benign (1 of 4 stars; one submission).

Conditions:
Erythrocytosis, familial, 3 (ECYT3). Identifiers: Orphanet 247511, MedGen C1853286, MONDO:0012353, OMIM 609820.

Allele frequency attached by ClinVar (database versions not stated): gnomAD 0.01505 and 0.01601; TOPMed 0.01662; 1000 Genomes Project 0.01997; 1000 Genomes Project 30x 0.02077.

Submission:

Illumina Laboratory Services, Illumina
Classification: Benign for Erythrocytosis, familial, 3. Last evaluated: 2017-04-27. Review status: criteria provided, single submitter. Criteria: ICSL Variant Classification Criteria 13 December 2019. Collection method: clinical testing. Allele origin: germline.
Comment: This variant was observed as part of a predisposition screen in an ostensibly healthy population. A literature search was performed for the gene, cDNA change, and amino acid change (where applicable). No publications were found based on this search. Allele frequency data from public databases was too high to be consistent with this variant causing disease. Therefore, this variant is classified as benign.

NM_022051.3(EGLN1):c.*2061C>G

Gene: EGLN1 (egl-9 family hypoxia inducible factor 1; minus strand). Cytogenetic location: 1q42.2.
Variant type: single nucleotide variant.
Coding change: c.*2061C>G on transcript NM_022051.3 (MANE Select); 2061 bases downstream of the stop codon, C replaced by G.
Molecular consequence: 3 prime UTR variant.
Genome position (GRCh38, 1-based): chr1:231,364,350, G>C on the plus strand (C>G on the coding strand, the complement: EGLN1 is on the minus strand). VCF-style: chr1-231364350-G-C. GRCh37 (hg19) VCF-style: chr1-231500096-G-C.
Other names: c.*2122C>G (NM_001377260.1); c.*2167C>G (NM_001377261.1).
Identifiers: ClinVar variation 296147 (VCV000296147.5), dbSNP rs116262857, ClinGen allele CA10609312.